The following is an entry in ClinVar:

NM_005343.4(HRAS):c.529_530del (p.Ser177fs)

Genes: HRAS (HRas proto-oncogene, GTPase; minus strand), LRRC56 (leucine rich repeat containing 56; plus strand). Cytogenetic location: 11p15.5.
Variant type: Microsatellite.
Coding change: c.529_530del on transcript NM_005343.4 (MANE Select); coding-DNA positions 529 to 530, 2 bases deleted (AG; older notation c.529_530delAG).
Protein change: p.Ser177fs; shifts the reading frame from serine 177.
Molecular consequence: frameshift variant. On other transcripts: 3 prime UTR variant (1).
Genome position (GRCh38, 1-based): chr11:532,676-532,677, CT deleted on the plus strand (AG on the coding strand, the reverse complement: HRAS is on the minus strand); deleting any 2 consecutive bases within chr11:532,676-532,680 gives the same sequence; the c. name uses the placement nearest the transcript's 3' end. VCF-style (leftmost placement, unchanged base first): chr11-532675-ACT-A. GRCh37 (hg19) VCF-style: chr11-532675-ACT-A.
Other names: c.529_530del, p.Ser177fs (NM_001130442.3); c.292_293del, p.Ser98fs (NM_001318054.2); c.*96AG[1] (NM_176795.5); short protein forms S98fs, S177fs.
Identifiers: ClinVar variation 2160269 (VCV002160269.4), dbSNP rs2539783963, ClinGen allele CA2580616885.
Genomic context (GRCh38, chr11:532,675, plus strand): 5'-TGGGAGTCCCCCTCACCTGCGTCAGGAGAGCACACACTTGCAGCTCATGCAGCCGGGGCC[ACT>A]CTCATCAGGAGGGTTCAGCTTCCGCAGCTTGTGCTGCCGGATCTCACGCACCAACGTGTA-3'

ClinVar aggregate classification (germline): Uncertain significance (1 of 4 stars; one submission).

Conditions:
Costello syndrome (CSTLO). Also called: FCS SYNDROME; FACIOCUTANEOSKELETAL SYNDROME; HRAS-Related Costello Syndrome. Identifiers: Orphanet 3071, MedGen C0587248, MONDO:0009026, OMIM 218040.

Submission:

Labcorp Genetics (formerly Invitae), Labcorp
Classification: Uncertain significance for Costello syndrome. Last evaluated: 2023-05-09. Review status: criteria provided, single submitter. Criteria: Invitae Variant Classification Sherloc (09022015). Collection method: clinical testing. Allele origin: germline.
Comment: In summary, the available evidence is currently insufficient to determine the role of this variant in disease. Therefore, it has been classified as a Variant of Uncertain Significance. Experimental studies and prediction algorithms are not available or were not evaluated, and the functional significance of this variant is currently unknown. This variant has not been reported in the literature in individuals affected with HRAS-related conditions. This variant is not present in population databases (gnomAD no frequency). This sequence change results in a frameshift in the HRAS gene (p.Ser177Trpfs*). While this is not anticipated to result in nonsense mediated decay, it is expected to disrupt the last 13 amino acid(s) of the HRAS protein and extend the protein by an uncertain number of additional amino acid residues.